The following is an entry in ClinVar:

ClinVar aggregate classification (germline): Benign/Likely benign. Review status: criteria provided, multiple submitters, no conflicts (2 of 4 stars). 3 submissions from 3 submitters: Benign (1); Likely benign (2). Last evaluated 2025-03-07.

Conditions:
Pheochromocytoma/paraganglioma syndrome 5. Also called: Paragangliomas 5; SDHA-Related Hereditary Paraganglioma-Pheochromocytoma Syndrome. Identifiers: Orphanet 29072, MedGen C3279992, MONDO:0013602, OMIM 614165.
Mitochondrial complex II deficiency, nuclear type 1. Also called: SUCCINATE CoQ REDUCTASE DEFICIENCY. Identifiers: Orphanet 3208, MedGen C5700310, MONDO:0100294, OMIM 252011.
Hereditary cancer-predisposing syndrome. Also called: Tumor predisposition; Hereditary neoplastic syndrome; Neoplastic Syndromes, Hereditary; Hereditary Cancer Syndrome. Identifiers: Orphanet 140162, MedGen C0027672, MeSH D009386, MONDO:0015356.

Submissions (3):

Myriad Genetics, Inc.
Classification: Benign for Pheochromocytoma/paraganglioma syndrome 5. Last evaluated: 2025-03-07. Review status: criteria provided, single submitter. Criteria: Myriad Autosomal Dominant, Autosomal Recessive and X-Linked Classification Criteria (2023). Collection method: clinical testing. Allele origin: unknown.
Comment: This variant is considered benign. This variant is a silent/synonymous amino acid change and it is not expected to impact splicing.

Labcorp Genetics (formerly Invitae), Labcorp
Classification: Likely benign for Pheochromocytoma/paraganglioma syndrome 5; Mitochondrial complex II deficiency, nuclear type 1. Last evaluated: 2025-02-13. Review status: criteria provided, single submitter. Criteria: Invitae Variant Classification Sherloc (09022015). Collection method: clinical testing. Allele origin: germline.

Ambry Genetics
Classification: Likely benign for Hereditary cancer-predisposing syndrome. Last evaluated: 2020-08-26. Review status: criteria provided, single submitter. Criteria: Ambry Variant Classification Scheme 2023. Collection method: clinical testing. Allele origin: germline.

NM_004168.4(SDHA):c.1083A>G (p.Lys361=)

Gene: SDHA (succinate dehydrogenase complex flavoprotein subunit A; plus strand). Cytogenetic location: 5p15.33.
Variant type: single nucleotide variant.
Coding change: c.1083A>G on transcript NM_004168.4 (MANE Select); coding-DNA position 1083, A replaced by G.
Protein change: p.Lys361=; no amino-acid change (lysine 361 retained).
Molecular consequence: synonymous variant.
Genome position (GRCh38, 1-based): chr5:235,162, A>G. VCF-style: chr5-235162-A-G. GRCh37 (hg19) VCF-style: chr5-235277-A-G.
Other names: c.939A>G, p.Lys313= (NM_001294332.2); c.1083A>G, p.Lys361= (NM_001330758.2).
Identifiers: ClinVar variation 753298 (VCV000753298.13), dbSNP rs1579406203, ClinGen allele CA442691930.